The following is an entry in ClinVar:

NM_031844.3(HNRNPU):c.331G>A (p.Gly111Arg)

Gene: HNRNPU (heterogeneous nuclear ribonucleoprotein U; minus strand). Cytogenetic location: 1q44.
Variant type: single nucleotide variant.
Coding change: c.331G>A on transcript NM_031844.3 (MANE Select); coding-DNA position 331, G replaced by A.
Protein change: p.Gly111Arg; replaces glycine 111 with arginine.
Molecular consequence: missense variant.
Genome position (GRCh38, 1-based): chr1:244,863,977, C>T on the plus strand (G>A on the coding strand, the complement: HNRNPU is on the minus strand). VCF-style: chr1-244863977-C-T. GRCh37 (hg19) VCF-style: chr1-245027279-C-T.
Other names: c.331G>A, p.Gly111Arg (NM_004501.3); short protein forms G111R.
Identifiers: ClinVar variation 3696300 (VCV003696300.2).

ClinVar aggregate classification (germline): Uncertain significance (1 of 4 stars; one submission).

Conditions:
Developmental and epileptic encephalopathy, 54. Also called: HNRNPU-Related Neurodevelopmental Disorder; Epileptic encephalopathy, early infantile, 54. Identifiers: MedGen C4479319, MONDO:0033363, OMIM 617391.

Submission:

Labcorp Genetics (formerly Invitae), Labcorp
Classification: Uncertain significance for Developmental and epileptic encephalopathy, 54. Last evaluated: 2024-05-22. Review status: criteria provided, single submitter. Criteria: Invitae Variant Classification Sherloc (09022015). Collection method: clinical testing. Allele origin: germline.
Comment: This sequence change replaces glycine, which is neutral and non-polar, with arginine, which is basic and polar, at codon 111 of the HNRNPU protein (p.Gly111Arg). This variant is not present in population databases (gnomAD no frequency). This variant has not been reported in the literature in individuals affected with HNRNPU-related conditions. An algorithm developed to predict the effect of missense changes on protein structure and function (PolyPhen-2) suggests that this variant is likely to be disruptive. In summary, the available evidence is currently insufficient to determine the role of this variant in disease. Therefore, it has been classified as a Variant of Uncertain Significance.